The following is an entry in ClinVar:

NM_001330288.2(SMARCC2):c.1946A>G (p.Asp649Gly)

Gene: SMARCC2 (SWI/SNF related BAF chromatin remodeling complex subunit C2; minus strand). Cytogenetic location: 12q13.2.
Variant type: single nucleotide variant.
Coding change: c.1946A>G on transcript NM_001330288.2 (MANE Select); coding-DNA position 1946, A replaced by G.
Protein change: p.Asp649Gly; replaces aspartic acid 649 with glycine.
Molecular consequence: missense variant.
Genome position (GRCh38, 1-based): chr12:56,171,918, T>C on the plus strand (A>G on the coding strand, the complement: SMARCC2 is on the minus strand). VCF-style: chr12-56171918-T-C. GRCh37 (hg19) VCF-style: chr12-56565702-T-C.
Other names: c.1946A>G, p.Asp649Gly (NM_001130420.3, NM_139067.4); c.1853A>G, p.Asp618Gly (NM_003075.5); short protein forms D618G, D649G.
Identifiers: ClinVar variation 2571676 (VCV002571676.1), dbSNP rs2540883008, ClinGen allele CA385344683.

ClinVar aggregate classification (germline): Uncertain significance (1 of 4 stars; one submission).

Allele frequency attached by ClinVar (database versions not stated): gnomAD exomes below 0.00001.
gnomAD v4.1: 1 of 1,608,562 alleles (0.000062%); highest among the groups gnomAD compares: Non-Finnish European, 0.000085%; no homozygotes.

Submission:

GeneDx
Classification: Uncertain significance. Last evaluated: 2023-01-05. Review status: criteria provided, single submitter. Criteria: GeneDx Variant Classification Process June 2021. Collection method: clinical testing. Allele origin: germline. Affected: yes.
Comment: Not observed at significant frequency in large population cohorts (gnomAD); In silico analysis supports that this missense variant has a deleterious effect on protein structure/function; Has not been previously published as pathogenic or benign to our knowledge